The following is an entry in ClinVar:

ClinVar aggregate classification (germline): Uncertain significance. Review status: criteria provided, multiple submitters, no conflicts (2 of 4 stars). 2 submissions from 2 submitters: Uncertain significance (2). Last evaluated 2024-09-22.

Conditions:
WFS1-related disorder. Identifiers: MedGen CN379391, MONDO:0700293.

Allele frequency attached by ClinVar (database versions not stated): 1000 Genomes Project 30x 0.00016; 1000 Genomes Project 0.00020.
gnomAD v4.1: 11 of 1,613,978 alleles (0.00068%); highest among the groups gnomAD compares: East Asian, 0.022%; no homozygotes.

Submissions (2):

Labcorp Genetics (formerly Invitae), Labcorp
Classification: Uncertain significance. Last evaluated: 2024-09-22. Review status: criteria provided, single submitter. Criteria: Invitae Variant Classification Sherloc (09022015). Collection method: clinical testing. Allele origin: germline.
Comment: This sequence change replaces alanine, which is neutral and non-polar, with serine, which is neutral and polar, at codon 326 of the WFS1 protein (p.Ala326Ser). This variant is present in population databases (rs200790641, gnomAD 0.01%). This variant has not been reported in the literature in individuals affected with WFS1-related conditions. ClinVar contains an entry for this variant (Variation ID: 2176245). Invitae Evidence Modeling of protein sequence and biophysical properties (such as structural, functional, and spatial information, amino acid conservation, physicochemical variation, residue mobility, and thermodynamic stability) has been performed for this missense variant. However, the output from this modeling did not meet the statistical confidence thresholds required to predict the impact of this variant on WFS1 protein function. In summary, the available evidence is currently insufficient to determine the role of this variant in disease. Therefore, it has been classified as a Variant of Uncertain Significance.

PreventionGenetics, part of Exact Sciences
Classification: Uncertain significance for WFS1-related condition. Last evaluated: 2023-08-28. Review status: criteria provided, single submitter. Criteria: ACMG Guidelines, 2015. Collection method: clinical testing. Allele origin: germline.
Comment: The WFS1 c.976G>T variant is predicted to result in the amino acid substitution p.Ala326Ser. To our knowledge, this variant has not been reported in the literature. Of note, a similar variant impacting the same amino acid (p.Ala326Val) has been reported in the compound heterozygous and homozygous states in individuals with features of Wolfram syndrome (Toppings et al. 2018. PubMed ID: 29850290; La Morgia et al. 2020. PubMed ID: 32179840) and was also seen in individuals with optic neuropathy with or without diabetes mellitus (Astuti et al. 2017. PubMed ID: 28432734; Charif et al. 2021. PubMed ID: 33841295). The p.Ala326Ser variant is reported in 0.011% of alleles in individuals of East Asian descent in gnomAD. Although we suspect that this variant may be pathogenic, at this time, the clinical significance of this variant is uncertain due to the absence of conclusive functional and genetic evidence.

NM_006005.3(WFS1):c.976G>T (p.Ala326Ser)

Gene: WFS1 (wolframin ER transmembrane glycoprotein; plus strand). Cytogenetic location: 4p16.1.
Variant type: single nucleotide variant.
Coding change: c.976G>T on transcript NM_006005.3 (MANE Select); coding-DNA position 976, G replaced by T.
Protein change: p.Ala326Ser; replaces alanine 326 with serine.
Molecular consequence: missense variant.
Genome position (GRCh38, 1-based): chr4:6,300,771, G>T. VCF-style: chr4-6300771-G-T. GRCh37 (hg19) VCF-style: chr4-6302498-G-T.
Other names: c.976G>T, p.Ala326Ser (NM_001145853.1); short protein forms A326S.
Identifiers: ClinVar variation 2176245 (VCV002176245.4), dbSNP rs200790641, ClinGen allele CA91796218.